The following is an entry in ClinVar:

NM_001849.4(COL6A2):c.1687C>T (p.Pro563Ser)

Gene: COL6A2 (collagen type VI alpha 2 chain; plus strand). Cytogenetic location: 21q22.3.
Variant type: single nucleotide variant.
Coding change: c.1687C>T on transcript NM_001849.4 (MANE Select); coding-DNA position 1687, C replaced by T.
Protein change: p.Pro563Ser; replaces proline 563 with serine.
Molecular consequence: missense variant.
Genome position (GRCh38, 1-based): chr21:46,124,666, C>T. VCF-style: chr21-46124666-C-T. GRCh37 (hg19) VCF-style: chr21-47544580-C-T.
Other names: c.1687C>T, p.Pro563Ser (NM_058174.3, NM_058175.3); short protein forms P563S.
Identifiers: ClinVar variation 1208484 (VCV001208484.3), dbSNP rs753877868, ClinGen allele CA10072117.

ClinVar aggregate classification (germline): Uncertain significance (1 of 4 stars; one submission).

Allele frequency attached by ClinVar (database versions not stated): ExAC 0.00001.
gnomAD v4.1: 3 of 1,612,946 alleles (0.00019%); highest among the groups gnomAD compares: Non-Finnish European, 0.00025%; no homozygotes.

Submission:

GeneDx
Classification: Uncertain significance. Last evaluated: 2019-12-06. Review status: criteria provided, single submitter. Criteria: GeneDx Variant Classification Process June 2021. Collection method: clinical testing. Allele origin: germline. Affected: yes.
Comment: Not observed in large population cohorts (Lek et al., 2016); In silico analysis, which includes protein predictors and evolutionary conservation, supports a deleterious effect; Has not been previously published as pathogenic or benign to our knowledge